The following is an entry in ClinVar:

ClinVar aggregate classification (germline): Likely pathogenic. Review status: criteria provided, multiple submitters, no conflicts (2 of 4 stars). 3 submissions from 3 submitters: Likely pathogenic (3). Last evaluated 2023-04-11.

Conditions:
Developmental and epileptic encephalopathy, 18 (DEE18). Also called: Early infantile epileptic encephalopathy 18. Identifiers: Orphanet 369894, MedGen C3809624, MONDO:0014201, OMIM 615476.

Allele frequency attached by ClinVar (database versions not stated): TOPMed below 0.00001.

Submissions (3):

Genome-Nilou Lab
Classification: Likely pathogenic for Developmental and epileptic encephalopathy, 18. Last evaluated: 2023-04-11. Review status: criteria provided, single submitter. Criteria: ACMG Guidelines, 2015. Collection method: clinical testing. Allele origin: germline. Affected: no.

Department of Genetics, Rouen University Hospital, Normandy Center for Genomic and Personalized Medicine
Classification: Likely pathogenic for Developmental and epileptic encephalopathy, 18. Last evaluated: 2021-10-21. Review status: criteria provided, single submitter. Criteria: ACMG Guidelines, 2015. Collection method: clinical testing. Allele origin: inherited. Affected: yes.

GeneDx
Classification: Likely pathogenic. Last evaluated: 2019-10-04. Review status: criteria provided, single submitter. Criteria: GeneDx Variant Classification Process June 2021. Collection method: clinical testing. Allele origin: germline. Affected: yes.
Comment: Canonical splice site variant predicted to result in an in-frame deletion/insertion of a critical region; Not observed in large population cohorts (Lek et al., 2016); Has not been previously published as pathogenic or benign to our knowledge

NM_001365999.1(SZT2):c.153+1G>A

Gene: SZT2 (SZT2 subunit of KICSTOR complex; plus strand). Cytogenetic location: 1p34.2.
Variant type: single nucleotide variant.
Coding change: c.153+1G>A on transcript NM_001365999.1 (MANE Select); the canonical splice donor site of the intron after coding-DNA position 153, G replaced by A.
Molecular consequence: splice donor variant.
Genome position (GRCh38, 1-based): chr1:43,403,303, G>A. VCF-style: chr1-43403303-G-A. GRCh37 (hg19) VCF-style: chr1-43868974-G-A.
Other names: c.153+1G>A (NM_015284.4).
Identifiers: ClinVar variation 1198403 (VCV001198403.5), dbSNP rs1649902998, ClinGen allele CA339995372.
Genomic context (GRCh38, chr1:43,403,303, plus strand): 5'-CTGGCTTGGTTCCTCAGTCATCTGCACCAAACTGTGCAGGCCACACCCCAGGAGATGCTG[G>A]TGAGGCTTAGACACACGAAAGGTGTGAGGGGCCAGCCCAGAAGGATCTGTTTTTTAGGAG-3'